The following is an entry in ClinVar:

NM_138691.3(TMC1):c.1997C>A (p.Pro666Gln)

Gene: TMC1 (transmembrane channel like 1; plus strand). Cytogenetic location: 9q21.13.
Variant type: single nucleotide variant.
Coding change: c.1997C>A on transcript NM_138691.3 (MANE Select); coding-DNA position 1997, C replaced by A.
Protein change: p.Pro666Gln; replaces proline 666 with glutamine.
Molecular consequence: missense variant.
Genome position (GRCh38, 1-based): chr9:72,821,075, C>A. VCF-style: chr9-72821075-C-A. GRCh37 (hg19) VCF-style: chr9-75435991-C-A.
Other names: short protein forms P666Q.
Identifiers: ClinVar variation 3376924 (VCV003376924.1).

ClinVar aggregate classification (germline): Uncertain significance (1 of 4 stars; one submission).

Conditions:
Autosomal recessive nonsyndromic hearing loss 7. Also called: DEAFNESS, AUTOSOMAL RECESSIVE 11. Identifiers: Orphanet 90636, MedGen C1832978, MONDO:0010967, OMIM 600974.

Submission:

Victorian Clinical Genetics Services, Murdoch Childrens Research Institute
Classification: Uncertain significance for Autosomal recessive nonsyndromic hearing loss 7. Last evaluated: 2024-09-21. Review status: criteria provided, single submitter. Criteria: ACMG Guidelines, 2015. Collection method: clinical testing. Allele origin: germline. Inheritance: Autosomal recessive inheritance. Affected: yes.
Comment: Based on the classification scheme VCGS_Germline_v1.3.4, this variant is classified as VUS-3A. Following criteria are met: 0102 - Loss of function is a known mechanism of disease in this gene and is associated with deafness, autosomal recessive 7 (MIM#600974). The mechanism of disease for deafness, autosomal dominant 36 (MIM#606705) is not established but is speculated to be either dominant negative or gain of function (PMID: 25074487). (I) 0108 - This gene is associated with both recessive and dominant disease (OMIM). Premature termination codon, splice site, and missense variants are associated with deafness, autosomal recessive 7 (MIM#600974), while currently only missense variants between residues 400 and 600 are associated with deafness, autosomal dominant 36 (MIM#606705) (PMIDs: 34523024, 25074487). (I) 0200 - Variant is predicted to result in a missense amino acid change from proline to glutamine. (I) 0251 - This variant is heterozygous. (I) 0301 - Variant is absent from gnomAD (both v2 and v3). (SP) 0501 - Missense variant consistently predicted to be damaging by multiple in silico tools or highly conserved with a major amino acid change. (SP) 0604 - Variant is not located in an established domain, motif, hotspot or informative constraint region. (I) 0705 - No comparable missense variants have previous evidence for pathogenicity. (I) 0807 - This variant has no previous evidence of pathogenicity. (I) 0905 - No published segregation evidence has been identified for this variant. (I) 1007 - No published functional evidence has been identified for this variant. (I) 1201 - Heterozygous variant detected in trans with a pathogenic heterozygous variant (NM_138691.2(TMC1):c.100C>T; p.(Arg34*)) in a recessive disease. (I) Legend: (SP) - Supporting pathogenic, (I) - Information, (SB) - Supporting benign

Literature cited by the submitters: PubMed 25074487; PubMed 34523024.